The following is an entry in ClinVar:

ClinVar aggregate classification (germline): Uncertain significance (1 of 4 stars; one submission).

Conditions:
Hereditary hemochromatosis (HFE). Identifiers: MedGen C0392514, MONDO:0006507. Disease mechanism: loss of function.

Submission:

Labcorp Genetics (formerly Invitae), Labcorp
Classification: Uncertain significance for Hereditary hemochromatosis. Last evaluated: 2022-11-01. Review status: criteria provided, single submitter. Criteria: Invitae Variant Classification Sherloc (09022015). Collection method: clinical testing. Allele origin: germline.
Comment: In summary, the available evidence is currently insufficient to determine the role of this variant in disease. Therefore, it has been classified as a Variant of Uncertain Significance. Algorithms developed to predict the effect of missense changes on protein structure and function output the following: SIFT: "Deleterious"; PolyPhen-2: "Benign"; Align-GVGD: "Class C0". The threonine amino acid residue is found in multiple mammalian species, which suggests that this missense change does not adversely affect protein function. This variant has not been reported in the literature in individuals affected with HFE-related conditions. This variant is not present in population databases (gnomAD no frequency). This sequence change replaces alanine, which is neutral and non-polar, with threonine, which is neutral and polar, at codon 248 of the HFE protein (p.Ala248Thr).

NM_000410.4(HFE):c.742G>A (p.Ala248Thr)

Gene: HFE (homeostatic iron regulator; plus strand). Cytogenetic location: 6p22.2.
Variant type: single nucleotide variant.
Coding change: c.742G>A on transcript NM_000410.4 (MANE Select); coding-DNA position 742, G replaced by A.
Protein change: p.Ala248Thr; replaces alanine 248 with threonine.
Molecular consequence: missense variant. On other transcripts: intron variant (1).
Genome position (GRCh38, 1-based): chr6:26,092,810, G>A. VCF-style: chr6-26092810-G-A. GRCh37 (hg19) VCF-style: chr6-26093038-G-A.
Other names: c.742G>A, p.Ala248Thr (NM_001300749.3, NM_001384164.1); c.733G>A, p.Ala245Thr (NM_001406751.1); c.478G>A, p.Ala160Thr (NM_001406752.1, NM_139007.3); c.424G>A, p.Ala142Thr (NM_139003.3); c.466G>A, p.Ala156Thr (NM_139004.3); c.700G>A, p.Ala234Thr (NM_139006.3); c.436G>A, p.Ala146Thr (NM_139008.3); c.673G>A, p.Ala225Thr (NM_139009.3); and 2 more; short protein forms A156T, A68T, A142T, A225T, A245T, A234T, A146T, A160T.
Identifiers: ClinVar variation 2876725 (VCV002876725.3), dbSNP rs2481620436, ClinGen allele CA363208023.
Genomic context (GRCh38, chr6:26,092,810, plus strand): 5'-TTGAACTACTACCCCCAGAACATCACCATGAAGTGGCTGAAGGATAAGCAGCCAATGGAT[G>A]CCAAGGAGTTCGAACCTAAAGACGTATTGCCCAATGGGGATGGGACCTACCAGGGCTGGA-3'
Protein context (NP_000401.1, residues 238-258): KWLKDKQPMD[Ala248Thr]KEFEPKDVLP